The following is an entry in ClinVar:

ClinVar aggregate classification (germline): Uncertain significance. Review status: criteria provided, multiple submitters, no conflicts (2 of 4 stars). 2 submissions from 2 submitters: Uncertain significance (2). Last evaluated 2024-11-23.

Conditions:
Fanconi anemia (FA). Also called: Fanconi's anemia. Identifiers: Orphanet 84, MedGen C0015625, MeSH D005199, MONDO:0019391.
Inborn genetic diseases. Identifiers: MedGen C0950123, MeSH D030342.

Allele frequency attached by ClinVar (database versions not stated): gnomAD exomes below 0.00001.
gnomAD v4.1: 2 of 1,614,134 alleles (0.00012%); highest among the groups gnomAD compares: Middle Eastern, 0.016%; no homozygotes.

Submissions (2):

Ambry Genetics
Classification: Uncertain significance for Inborn genetic diseases. Last evaluated: 2024-11-23. Review status: criteria provided, single submitter. Criteria: Ambry Variant Classification Scheme 2023. Collection method: clinical testing. Allele origin: germline.
Comment: The p.A444T variant (also known as c.1330G>A), located in coding exon 14 of the FANCA gene, results from a G to A substitution at nucleotide position 1330. The alanine at codon 444 is replaced by threonine, an amino acid with similar properties. This amino acid position is conserved. In addition, this alteration is predicted to be tolerated by in silico analysis. Based on the available evidence, the clinical significance of this variant remains unclear.

Labcorp Genetics (formerly Invitae), Labcorp
Classification: Uncertain significance for Fanconi anemia. Last evaluated: 2021-08-27. Review status: criteria provided, single submitter. Criteria: Invitae Variant Classification Sherloc (09022015). Collection method: clinical testing. Allele origin: germline.
Comment: This sequence change replaces alanine with threonine at codon 444 of the FANCA protein (p.Ala444Thr). The alanine residue is weakly conserved and there is a small physicochemical difference between alanine and threonine. This variant is not present in population databases (ExAC no frequency). This variant has not been reported in the literature in individuals affected with FANCA-related conditions. Algorithms developed to predict the effect of missense changes on protein structure and function are either unavailable or do not agree on the potential impact of this missense change (SIFT: "Tolerated"; PolyPhen-2: "Possibly Damaging"; Align-GVGD: "Class C0"). In summary, the available evidence is currently insufficient to determine the role of this variant in disease. Therefore, it has been classified as a Variant of Uncertain Significance.

NM_000135.4(FANCA):c.1330G>A (p.Ala444Thr)

Gene: FANCA (FA complementation group A; minus strand). Cytogenetic location: 16q24.3.
Variant type: single nucleotide variant.
Coding change: c.1330G>A on transcript NM_000135.4 (MANE Select); coding-DNA position 1330, G replaced by A.
Protein change: p.Ala444Thr; replaces alanine 444 with threonine.
Molecular consequence: missense variant.
Genome position (GRCh38, 1-based): chr16:89,791,432, C>T on the plus strand (G>A on the coding strand, the complement: FANCA is on the minus strand). VCF-style: chr16-89791432-C-T. GRCh37 (hg19) VCF-style: chr16-89857840-C-T.
Other names: c.1330G>A, p.Ala444Thr (NM_001286167.3); c.1330G>A (NM_000135.2); short protein forms A444T.
Identifiers: ClinVar variation 1061340 (VCV001061340.3), dbSNP rs771047848, ClinGen allele CA286592052.